The following is an entry in ClinVar:

NM_001388419.1(KALRN):c.5340T>G (p.Leu1780=)

Gene: KALRN (kalirin RhoGEF kinase; plus strand). Cytogenetic location: 3q21.2.
Variant type: single nucleotide variant.
Coding change: c.5340T>G on transcript NM_001388419.1 (MANE Select); coding-DNA position 5340, T replaced by G.
Protein change: p.Leu1780=; no amino-acid change (leucine 1780 retained).
Molecular consequence: synonymous variant.
Genome position (GRCh38, 1-based): chr3:124,632,577, T>G. VCF-style: chr3-124632577-T-G. GRCh37 (hg19) VCF-style: chr3-124351424-T-G.
Other names: c.5334T>G, p.Leu1778= (NM_001024660.5, NM_001322988.2); c.243T>G, p.Leu81= (NM_001322993.2, NM_001322994.2, NM_001322995.2 and 7 more transcripts); c.3411T>G, p.Leu1137= (NM_001388412.1).
Identifiers: ClinVar variation 3050174 (VCV003050174.2), dbSNP rs1660038, ClinGen allele CA2580428.

ClinVar aggregate classification (germline): Likely benign (0 of 4 stars; one submission).

Conditions:
KALRN-related disorder. Also called: KALRN-related condition.

Allele frequency attached by ClinVar (database versions not stated): 1000 Genomes Project 30x 0.00031; 1000 Genomes Project 0.00040.
gnomAD v4.1: 67 of 1,613,936 alleles (0.0042%); highest among the groups gnomAD compares: African/African-American, 0.076%; no homozygotes.

Submission:

PreventionGenetics, part of Exact Sciences
Classification: Likely benign for KALRN-related condition. Last evaluated: 2019-07-11. Review status: no assertion criteria provided. Collection method: clinical testing. Allele origin: germline.
Comment: This variant is classified as likely benign based on ACMG/AMP sequence variant interpretation guidelines (Richards et al. 2015 PMID: 25741868, with internal and published modifications).